The following is an entry in ClinVar:

ClinVar aggregate classification (germline): Benign/Likely benign. Review status: criteria provided, multiple submitters, no conflicts (2 of 4 stars). 3 submissions from 3 submitters: Benign (2); Likely benign (1). Last evaluated 2026-01-17.

Allele frequency attached by ClinVar (database versions not stated): gnomAD 0.00003 and 0.00009; TOPMed 0.00004; gnomAD exomes 0.00014 and 0.00036; 1000 Genomes Project 30x 0.00031; 1000 Genomes Project 0.00040; ExAC 0.00112.
gnomAD v4.1: 214 of 1,551,780 alleles (0.014%); highest among the groups gnomAD compares: South Asian, 0.2%; no homozygotes.

Submissions (3):

Labcorp Genetics (formerly Invitae), Labcorp
Classification: Benign. Last evaluated: 2026-01-17. Review status: criteria provided, single submitter. Criteria: Invitae Variant Classification Sherloc (09022015). Collection method: clinical testing. Allele origin: germline.

Blueprint Genetics
Classification: Likely benign. Last evaluated: 2024-09-10. Review status: criteria provided, single submitter. Criteria: ACMG Guidelines, 2015. Collection method: clinical testing. Allele origin: germline.

Laboratory for Molecular Medicine, Mass General Brigham Personalized Medicine
Classification: Benign. Last evaluated: 2016-11-01. Review status: criteria provided, single submitter. Criteria: LMM Criteria. Collection method: clinical testing. Allele origin: germline. Observed: 2 variant alleles.
Comment: p.Thr584Thr in exon 13 of LOXHD1: This variant is not expected to have clinical significance because it does not alter an amino acid residue and is not located within the splice consensus sequence. It has been identified in 0.3% (23/7914) o f South Asian chromosomes by the Exome Aggregation Consortium (ExAC .; dbSNP rs558087385).

NM_001384474.1(LOXHD1):c.1752G>A (p.Thr584=)

Gene: LOXHD1 (lipoxygenase homology PLAT domains 1; minus strand). Cytogenetic location: 18q21.1.
Variant type: single nucleotide variant.
Coding change: c.1752G>A on transcript NM_001384474.1 (MANE Select); coding-DNA position 1752, G replaced by A.
Protein change: p.Thr584=; no amino-acid change (threonine 584 retained).
Molecular consequence: synonymous variant.
Genome position (GRCh38, 1-based): chr18:46,579,687, C>T on the plus strand (G>A on the coding strand, the complement: LOXHD1 is on the minus strand). VCF-style: chr18-46579687-C-T. GRCh37 (hg19) VCF-style: chr18-44159650-C-T.
Other names: c.1752G>A, p.Thr584= (NM_144612.7).
Identifiers: ClinVar variation 163927 (VCV000163927.16), dbSNP rs558087385, ClinGen allele CA176646.
Genomic context (GRCh38, chr18:46,579,687, plus strand): 5'-TACATTGCCCTTTTCAAACAGGTCTGTGTTATTCCTGCAGTTGTAGAGCAGCCGTTCCCC[C>T]GTGTCCCCCACATCACCAAAAAGGCAGAGATAGACGTTGGCATCGGTCCCAGCACCTTCA-3'
Protein context (NP_001371403.1, residues 574-594): YLCLFGDVGD[Thr584=]GERLLYNCRN